The following is an entry in ClinVar:

ClinVar aggregate classification (germline): Likely benign. Review status: criteria provided, multiple submitters, no conflicts (2 of 4 stars). 3 submissions from 3 submitters: Likely benign (2). 1 of the submissions does not count toward it. Last evaluated 2026-01-29.

Conditions:
RASopathy. Also called: rasopathies; Noonan spectrum disorder. Identifiers: Orphanet 536391, MedGen C5555857, MONDO:0021060.
BRAF-related disorder. Also called: BRAF-related condition.
Cardiovascular phenotype. Identifiers: MedGen CN230736.

Allele frequency attached by ClinVar (database versions not stated): gnomAD exomes 0.00001 and 0.00002; TOPMed 0.00002; gnomAD 0.00003.
gnomAD v4.1: 28 of 1,527,444 alleles (0.0018%); highest among the groups gnomAD compares: Non-Finnish European, 0.0022%; no homozygotes.

Submissions (3):

Labcorp Genetics (formerly Invitae), Labcorp
Classification: Likely benign for RASopathy. Last evaluated: 2026-01-29. Review status: criteria provided, single submitter. Criteria: Invitae Variant Classification Sherloc (09022015). Collection method: clinical testing. Allele origin: germline.

Ambry Genetics
Classification: Likely benign for Cardiovascular phenotype. Last evaluated: 2022-02-14. Review status: criteria provided, single submitter. Criteria: Ambry Variant Classification Scheme 2023. Collection method: clinical testing. Allele origin: germline.

PreventionGenetics, part of Exact Sciences
Classification: Likely benign for BRAF-related condition. Last evaluated: 2021-11-01. Review status: no assertion criteria provided. Collection method: clinical testing. Allele origin: germline. Not counted in ClinVar's aggregate classification.
Comment: This variant is classified as likely benign based on ACMG/AMP sequence variant interpretation guidelines (Richards et al. 2015 PMID: 25741868, with internal and published modifications).

NM_004333.6(BRAF):c.114T>C (p.Ala38=)

Gene: BRAF (B-Raf proto-oncogene, serine/threonine kinase; minus strand). Cytogenetic location: 7q34.
Variant type: single nucleotide variant.
Coding change: c.114T>C on transcript NM_004333.6 (MANE Select); coding-DNA position 114, T replaced by C.
Protein change: p.Ala38=; no amino-acid change (alanine 38 retained).
Molecular consequence: synonymous variant.
Genome position (GRCh38, 1-based): chr7:140,924,590, A>G on the plus strand (T>C on the coding strand, the complement: BRAF is on the minus strand). VCF-style: chr7-140924590-A-G. GRCh37 (hg19) VCF-style: chr7-140624390-A-G.
Other names: c.114T>C, p.Ala38= (NM_001354609.2, NM_001374244.1, NM_001374258.1).
Identifiers: ClinVar variation 976529 (VCV000976529.13), dbSNP rs779587891, ClinGen allele CA168218425.
Genomic context (GRCh38, chr7:140,924,590, plus strand): 5'-GAGTCGGGAGGGCGGCAGGGTGGCGCCAGCACTCACCTCCTCCGGAATGGCAGGGTCCGC[A>G]GCCGAAGAGGCCGCGGCGCCGGCGCCGGCGCCGGCCTCGGGCTCCATGTCCCCGTTGAAC-3'
Protein context (NP_004324.2, residues 28-48): GAGAGAAASS[Ala38=]ADPAIPEEVW